The following is an entry in ClinVar:

ClinVar aggregate classification (germline): Uncertain significance (1 of 4 stars; one submission).

Allele frequency attached by ClinVar (database versions not stated): gnomAD exomes below 0.00001.
gnomAD v4.1: 3 of 1,546,408 alleles (0.00019%); highest among the groups gnomAD compares: Non-Finnish European, 0.00026%; no homozygotes.

Submission:

Labcorp Genetics (formerly Invitae), Labcorp
Classification: Uncertain significance. Last evaluated: 2025-10-21. Review status: criteria provided, single submitter. Criteria: Invitae Variant Classification Sherloc (09022015). Collection method: clinical testing. Allele origin: germline.
Comment: This sequence change creates a premature translational stop signal (p.Gln1523*) in the TET2 gene. While this is not anticipated to result in nonsense mediated decay, it is expected to disrupt the last 480 amino acid(s) of the TET2 protein. This variant is not present in population databases (gnomAD no frequency). This variant has not been reported in the literature in individuals affected with TET2-related conditions. ClinVar contains an entry for this variant (Variation ID: 2796407). Experimental studies and prediction algorithms are not available or were not evaluated, and the functional significance of this variant is currently unknown. In summary, the available evidence is currently insufficient to determine the role of this variant in disease. Therefore, it has been classified as a Variant of Uncertain Significance.

NM_001127208.3(TET2):c.4567C>T (p.Gln1523Ter)

Genes: TET2 (tet methylcytosine dioxygenase 2; plus strand), TET2-AS1 (TET2 antisense RNA 1; minus strand). Cytogenetic location: 4q24.
Variant type: single nucleotide variant.
Coding change: c.4567C>T on transcript NM_001127208.3 (MANE Select); coding-DNA position 4567, C replaced by T.
Protein change: p.Gln1523Ter; replaces glutamine 1523 with a stop codon.
Molecular consequence: nonsense.
Genome position (GRCh38, 1-based): chr4:105,275,077, C>T. VCF-style: chr4-105275077-C-T. GRCh37 (hg19) VCF-style: chr4-106196234-C-T.
Other names: short protein forms Q1523*.
Identifiers: ClinVar variation 2796407 (VCV002796407.3), dbSNP rs1248382089, ClinGen allele CA357812900.